The following is an entry in ClinVar:

NM_001558.4(IL10RA):c.696C>T (p.Thr232=)

Gene: IL10RA (interleukin 10 receptor subunit alpha; plus strand). Cytogenetic location: 11q23.3.
Variant type: single nucleotide variant.
Coding change: c.696C>T on transcript NM_001558.4 (MANE Select); coding-DNA position 696, C replaced by T.
Protein change: p.Thr232=; no amino-acid change (threonine 232 retained).
Molecular consequence: synonymous variant. On other transcripts: non-coding transcript variant (1).
Genome position (GRCh38, 1-based): chr11:117,995,596, C>T. VCF-style: chr11-117995596-C-T. GRCh37 (hg19) VCF-style: chr11-117866311-C-T.
Other names: p.Thr232=.
Identifiers: ClinVar variation 302549 (VCV000302549.62), dbSNP rs4252311, ClinGen allele CA6299030.

ClinVar aggregate classification (germline): Benign/Likely benign. Review status: criteria provided, multiple submitters, no conflicts (2 of 4 stars). 9 submissions from 9 submitters: Benign (1); Likely benign (8). Last evaluated 2026-02-01.

Conditions:
Inflammatory bowel disease 28. Also called: Inflammatory bowel disease 28, early onset, autosomal recessive. Identifiers: Orphanet 238569, MedGen C2751053, MONDO:0013153, OMIM 613148.

Allele frequency attached by ClinVar (database versions not stated): ESP Exome Variant Server 0.00231; 1000 Genomes Project 0.00240; 1000 Genomes Project 30x 0.00250; gnomAD 0.00274 and 0.00275; ExAC 0.00287; TOPMed 0.00337.
gnomAD v4.1: 5,845 of 1,614,152 alleles (0.36%); highest among the groups gnomAD compares: South Asian, 0.58%; 17 homozygotes.

Submissions (9):

Labcorp Genetics (formerly Invitae), Labcorp
Classification: Benign for Inflammatory bowel disease 28. Last evaluated: 2026-02-01. Review status: criteria provided, single submitter. Criteria: Invitae Variant Classification Sherloc (09022015). Collection method: clinical testing. Allele origin: germline.

CeGaT Center for Human Genetics Tuebingen
Classification: Likely benign. Last evaluated: 2025-12-01. Review status: criteria provided, single submitter. Criteria: CeGaT Center For Human Genetics Tuebingen Variant Classification Criteria Version 2. Collection method: clinical testing. Allele origin: germline. Affected: yes. Observed: 9 variant alleles.
Comment: IL10RA: BP4, BP7, BS2

Mayo Clinic Laboratories, Mayo Clinic
Classification: Likely benign. Last evaluated: 2025-06-23. Review status: criteria provided, single submitter. Criteria: ACMG Guidelines, 2015. Collection method: clinical testing. Allele origin: germline. Observed: 9 variant alleles.
Comment: BS2, BP4, BP7

Blueprint Genetics
Classification: Likely benign. Last evaluated: 2024-11-08. Review status: criteria provided, single submitter. Criteria: ACMG Guidelines, 2015. Collection method: clinical testing. Allele origin: germline.

Eurofins Ntd Llc (ga)
Classification: Likely benign. Last evaluated: 2018-08-20. Review status: criteria provided, single submitter. Criteria: EGL ClinVar v180209 classification definitions. Collection method: clinical testing. Allele origin: germline. Observed: 1 variant allele, 1 heterozygote.

Illumina Laboratory Services, Illumina
Classification: Likely benign for Inflammatory bowel disease 28. Last evaluated: 2018-01-13. Review status: criteria provided, single submitter. Criteria: ICSL Variant Classification Criteria 13 December 2019. Collection method: clinical testing. Allele origin: germline.
Comment: This variant was observed in the ICSL laboratory as part of a predisposition screen in an ostensibly healthy population. It had not been previously curated by ICSL or reported in the Human Gene Mutation Database (HGMD: prior to June 1st, 2018), and was therefore a candidate for classification through an automated scoring system. Utilizing variant allele frequency, disease prevalence and penetrance estimates, and inheritance mode, an automated score was calculated to assess if this variant is too frequent to cause the disease. Based on the score and internal cut-off values, a variant classified as likely benign is not then subjected to further curation. The score for this variant resulted in a classification of likely benign for this disease.

Clinical Genetics DNA and cytogenetics Diagnostics Lab, Erasmus MC, Erasmus Medical Center
Classification: Likely benign for Inflammatory bowel disease 28. Last evaluated: 2017-06-28. Review status: criteria provided, single submitter. Criteria: ACGS Guidelines, 2013. Collection method: clinical testing. Allele origin: germline. Affected: yes. Study: VKGL Data-share Consensus.

Genome Diagnostics Laboratory, University Medical Center Utrecht
Classification: Likely benign for Inflammatory bowel disease 28. Last evaluated: 2015-03-16. Review status: criteria provided, single submitter. Criteria: ACGS Guidelines, 2013. Collection method: clinical testing. Allele origin: germline. Affected: yes. Study: VKGL Data-share Consensus.

Breakthrough Genomics
Classification: Likely benign. Review status: criteria provided, single submitter. Criteria: ACMG Guidelines, 2015. Collection method: not provided. Allele origin: germline. Inheritance: Autosomal recessive inheritance. Affected: yes.